The following is an entry in ClinVar:

NM_198253.3(TERT):c.1424del (p.Pro475fs)

Gene: TERT (telomerase reverse transcriptase; minus strand). Cytogenetic location: 5p15.33.
Variant type: Deletion.
Coding change: c.1424del on transcript NM_198253.3 (MANE Select); coding-DNA position 1424, one base deleted (C; older notation c.1424delC).
Protein change: p.Pro475fs; shifts the reading frame from proline 475.
Molecular consequence: frameshift variant. On other transcripts: non-coding transcript variant (2).
Genome position (GRCh38, 1-based): chr5:1,293,462, G deleted on the plus strand (C on the coding strand, the reverse complement: TERT is on the minus strand); the first of 5 consecutive G bases (chr5:1,293,462-1,293,466); deleting any one gives the same sequence. VCF-style (leftmost placement, unchanged base first): chr5-1293461-TG-T. GRCh37 (hg19) VCF-style: chr5-1293576-TG-T.
Other names: c.1424del, p.Pro475fs (NM_001193376.3); short protein forms P475fs.
Identifiers: ClinVar variation 1073945 (VCV001073945.7), dbSNP rs2126684234, ClinGen allele CA2499217542.

ClinVar aggregate classification (germline): Pathogenic (1 of 4 stars; one submission).

Conditions:
Dyskeratosis congenita, autosomal dominant 2. Identifiers: MedGen C3151443, MONDO:0013521, OMIM 613989.
Idiopathic Pulmonary Fibrosis. Also called: Idiopathic fibrosing alveolitis, chronic form; idiopathic fibrosing alveolitis. Identifiers: Orphanet 2032, MedGen C1800706, MeSH D054990, MONDO:0800504.

Submission:

Labcorp Genetics (formerly Invitae), Labcorp
Classification: Pathogenic for Dyskeratosis congenita, autosomal dominant 2; Idiopathic Pulmonary Fibrosis. Last evaluated: 2022-10-18. Review status: criteria provided, single submitter. Criteria: Invitae Variant Classification Sherloc (09022015). Collection method: clinical testing. Allele origin: germline.
Comment: This sequence change creates a premature translational stop signal (p.Pro475Glnfs*34) in the TERT gene. It is expected to result in an absent or disrupted protein product. Loss-of-function variants in TERT are known to be pathogenic (PMID: 16247010, 17460043). This variant is not present in population databases (gnomAD no frequency). This variant has not been reported in the literature in individuals affected with TERT-related conditions. ClinVar contains an entry for this variant (Variation ID: 1073945). For these reasons, this variant has been classified as Pathogenic.

Literature cited by the submitters: PubMed 16247010; PubMed 17460043.